The following is an entry in ClinVar:

NM_004369.4(COL6A3):c.4964T>C (p.Phe1655Ser)

Gene: COL6A3 (collagen type VI alpha 3 chain; minus strand). Cytogenetic location: 2q37.3.
Variant type: single nucleotide variant.
Coding change: c.4964T>C on transcript NM_004369.4 (MANE Select); coding-DNA position 4964, T replaced by C.
Protein change: p.Phe1655Ser; replaces phenylalanine 1655 with serine.
Molecular consequence: missense variant.
Genome position (GRCh38, 1-based): chr2:237,367,223, A>G on the plus strand (T>C on the coding strand, the complement: COL6A3 is on the minus strand). VCF-style: chr2-237367223-A-G. GRCh37 (hg19) VCF-style: chr2-238275866-A-G.
Other names: c.3143T>C, p.Phe1048Ser (NM_057166.5); c.4346T>C, p.Phe1449Ser (NM_057167.4); short protein forms F1449S, F1048S, F1655S.
Identifiers: ClinVar variation 936208 (VCV000936208.8), dbSNP rs747965230, ClinGen allele CA67814738.

ClinVar aggregate classification (germline): Uncertain significance (1 of 4 stars; one submission).

Conditions:
Bethlem myopathy 1A. Also called: Bethlem Muscular Dystrophy; MYOPATHY, BENIGN CONGENITAL, WITH CONTRACTURES; Bethlem myopathy 1. Identifiers: Orphanet 610, MedGen CN029274, MONDO:0024530, OMIM 158810.

Allele frequency attached by ClinVar (database versions not stated): gnomAD exomes below 0.00001 and 0.00002; TOPMed 0.00001; gnomAD 0.00003.
gnomAD v4.1: 29 of 1,613,900 alleles (0.0018%); highest among the groups gnomAD compares: Non-Finnish European, 0.0023%; no homozygotes.

Submission:

Labcorp Genetics (formerly Invitae), Labcorp
Classification: Uncertain significance for Bethlem myopathy 1A. Last evaluated: 2025-03-31. Review status: criteria provided, single submitter. Criteria: Invitae Variant Classification Sherloc (09022015). Collection method: clinical testing. Allele origin: germline.
Comment: This sequence change replaces phenylalanine, which is neutral and non-polar, with serine, which is neutral and polar, at codon 1655 of the COL6A3 protein (p.Phe1655Ser). This variant is present in population databases (rs747965230, gnomAD 0.0009%). This variant has not been reported in the literature in individuals affected with COL6A3-related conditions. ClinVar contains an entry for this variant (Variation ID: 936208). Invitae Evidence Modeling of protein sequence and biophysical properties (such as structural, functional, and spatial information, amino acid conservation, physicochemical variation, residue mobility, and thermodynamic stability) indicates that this missense variant is expected to disrupt COL6A3 protein function with a positive predictive value of 80%. In summary, the available evidence is currently insufficient to determine the role of this variant in disease. Therefore, it has been classified as a Variant of Uncertain Significance.